The following is an entry in ClinVar:

ClinVar aggregate classification (germline): Uncertain significance (1 of 4 stars; one submission).

Conditions:
Cone-rod dystrophy and hearing loss 2 (CRDHL2). Identifiers: MedGen C5193051, MONDO:0020780, OMIM 618358.

Submission:

Neuberg Centre For Genomic Medicine, NCGM
Classification: Uncertain significance for Cone-rod dystrophy and hearing loss 2. Review status: criteria provided, single submitter. Criteria: ACMG Guidelines, 2015. Collection method: clinical testing. Allele origin: germline. Inheritance: Autosomal recessive inheritance. Affected: yes.
Comment: The missense variant c.3392C>G (p.Ser1131Cys) in the CEP250 gene has not been reported previously as a pathogenic variant nor as a benign variant, to our knowledge. This variant is absent in the gnomAD Exomes. The amino acid Ser at position 1131 is changed to a Cys changing protein sequence and it might alter its composition and physico-chemical properties. Multiple lines of computational evidence (Polyphen - Damaging, SIFT - Damaging and MutationTaster - Disease causing) predict a damaging effect on protein structure and function for this variant. The amino acid change p.Ser1131Cys in CEP250 is predicted as conserved by GERP++ and PhyloP across 100 vertebrates. For these reasons, this variant has been classified as Uncertain Significance.

NM_007186.6(CEP250):c.3392C>G (p.Ser1131Cys)

Gene: CEP250 (centrosomal protein 250; plus strand). Cytogenetic location: 20q11.22.
Variant type: single nucleotide variant.
Coding change: c.3392C>G on transcript NM_007186.6 (MANE Select); coding-DNA position 3392, C replaced by G.
Protein change: p.Ser1131Cys; replaces serine 1131 with cysteine.
Molecular consequence: missense variant.
Genome position (GRCh38, 1-based): chr20:35,497,804, C>G. VCF-style: chr20-35497804-C-G. GRCh37 (hg19) VCF-style: chr20-34085633-C-G.
Other names: c.1496C>G, p.Ser499Cys (NM_001318219.1); short protein forms S1131C, S499C.
Identifiers: ClinVar variation 3377721 (VCV003377721.1).